The following is an entry in ClinVar:

NC_012920.1(MT-CYB):m.14911C>T

Gene: MT-CYB (mitochondrially encoded cytochrome b; plus strand).
Variant type: single nucleotide variant.
Genome position: chrM-14911-C-T.
Identifiers: ClinVar variation 235655 (VCV000235655.3), dbSNP rs28357683, ClinGen allele CA10581389.
Genomic context (GRCh38, chrMT:14,911, plus strand): 5'-ACTCCTTGGCGCCTGCCTGATCCTCCAAATCACCACAGGACTATTCCTAGCCATGCACTA[C>T]TCACCAGACGCCTCAACCGCCTTTTCATCAATCGCCCACATCACTCGAGACGTAAATTAT-3'

ClinVar aggregate classification (germline): Likely benign (1 of 4 stars; one submission).

Submission:

Center for Pediatric Genomic Medicine, Children's Mercy Hospital and Clinics
Classification: Likely benign. Last evaluated: 2015-08-12. Review status: criteria provided, single submitter. Criteria: ACMG Guidelines, 2015. Collection method: clinical testing. Allele origin: germline.
ClinVar note: Converted during submission from Likely Benign to Likely benign.